The following is an entry in ClinVar:

ClinVar aggregate classification (germline): Uncertain significance. Review status: criteria provided, multiple submitters, no conflicts (2 of 4 stars). 2 submissions from 2 submitters: Uncertain significance (2). Last evaluated 2026-06-24.

Conditions:
BAP1-related tumor predisposition syndrome (TPDS1). Also called: Tumor susceptibility linked to germline BAP1 mutations; COMMON Syndrome; TUMOR PREDISPOSITION SYNDROME 1; BAP1 tumor predisposition syndrome. Identifiers: Orphanet 289539, MedGen C3280492, MONDO:0013692, OMIM 614327.
Hereditary cancer-predisposing syndrome. Also called: Tumor predisposition; Hereditary neoplastic syndrome; Hereditary Cancer Syndrome; Neoplastic Syndromes, Hereditary. Identifiers: Orphanet 140162, MedGen C0027672, MeSH D009386, MONDO:0015356.

Submissions (2):

Ambry Genetics
Classification: Uncertain significance for Hereditary cancer-predisposing syndrome. Last evaluated: 2026-06-24. Review status: criteria provided, single submitter. Criteria: Ambry Variant Classification Scheme 2023. Collection method: clinical testing. Allele origin: germline.
Comment: The p.E693K variant (also known as c.2077G>A), located in coding exon 17 of the BAP1 gene, results from a G to A substitution at nucleotide position 2077. The glutamic acid at codon 693 is replaced by lysine, an amino acid with similar properties. This amino acid position is conserved. In addition, this alteration is predicted to be deleterious by in silico analysis. Based on the available evidence, the clinical significance of this variant remains unclear.

Labcorp Genetics (formerly Invitae), Labcorp
Classification: Uncertain significance for BAP1-related tumor predisposition syndrome. Last evaluated: 2024-05-21. Review status: criteria provided, single submitter. Criteria: Invitae Variant Classification Sherloc (09022015). Collection method: clinical testing. Allele origin: germline.
Comment: This sequence change replaces glutamic acid, which is acidic and polar, with lysine, which is basic and polar, at codon 693 of the BAP1 protein (p.Glu693Lys). This variant is not present in population databases (gnomAD no frequency). This variant has not been reported in the literature in individuals affected with BAP1-related conditions. Advanced modeling of protein sequence and biophysical properties (such as structural, functional, and spatial information, amino acid conservation, physicochemical variation, residue mobility, and thermodynamic stability) has been performed at Invitae for this missense variant, however the output from this modeling did not meet the statistical confidence thresholds required to predict the impact of this variant on BAP1 protein function. In summary, the available evidence is currently insufficient to determine the role of this variant in disease. Therefore, it has been classified as a Variant of Uncertain Significance.

NM_004656.4(BAP1):c.2077G>A (p.Glu693Lys)

Gene: BAP1 (BRCA1 associated deubiquitinase 1; minus strand). Cytogenetic location: 3p21.1.
Variant type: single nucleotide variant.
Coding change: c.2077G>A on transcript NM_004656.4 (MANE Select); coding-DNA position 2077, G replaced by A.
Protein change: p.Glu693Lys; replaces glutamic acid 693 with lysine.
Molecular consequence: missense variant.
Genome position (GRCh38, 1-based): chr3:52,402,401, C>T on the plus strand (G>A on the coding strand, the complement: BAP1 is on the minus strand). VCF-style: chr3-52402401-C-T. GRCh37 (hg19) VCF-style: chr3-52436417-C-T.
Other names: c.2023G>A, p.Glu675Lys (NM_001410772.1); short protein forms E675K, E693K.
Identifiers: ClinVar variation 3654063 (VCV003654063.3).